The following is an entry in ClinVar:

ClinVar aggregate classification (germline): Uncertain significance (1 of 4 stars; one submission).

Conditions:
Congenital myasthenic syndrome 10. Also called: Myasthenia, limb-girdle, familial. Identifiers: Orphanet 590, MedGen C1850792, MONDO:0009690, OMIM 254300.
Fetal akinesia deformation sequence 1 (FADS1). Also called: Fetal akinesia sequence; Pena-Shokeir syndrome type I. Identifiers: Orphanet 994, MedGen C1276035, MONDO:0100101, OMIM 208150, HP:0001989.

Allele frequency attached by ClinVar (database versions not stated): gnomAD exomes below 0.00001.
gnomAD v4.1: 3 of 1,567,468 alleles (0.00019%); highest among the groups gnomAD compares: Non-Finnish European, 0.00026%; no homozygotes.

Submission:

Labcorp Genetics (formerly Invitae), Labcorp
Classification: Uncertain significance for Congenital myasthenic syndrome 10; Fetal akinesia deformation sequence 1. Last evaluated: 2022-06-05. Review status: criteria provided, single submitter. Criteria: Invitae Variant Classification Sherloc (09022015). Collection method: clinical testing. Allele origin: germline.
Comment: This sequence change replaces serine, which is neutral and polar, with glycine, which is neutral and non-polar, at codon 344 of the DOK7 protein (p.Ser344Gly). This variant is not present in population databases (gnomAD no frequency). This variant has not been reported in the literature in individuals affected with DOK7-related conditions. ClinVar contains an entry for this variant (Variation ID: 1404040). Algorithms developed to predict the effect of missense changes on protein structure and function are either unavailable or do not agree on the potential impact of this missense change (SIFT: "Deleterious"; PolyPhen-2: "Probably Damaging"; Align-GVGD: "Class C0"). In summary, the available evidence is currently insufficient to determine the role of this variant in disease. Therefore, it has been classified as a Variant of Uncertain Significance.

NM_173660.5(DOK7):c.1030A>G (p.Ser344Gly)

Gene: DOK7 (docking protein 7; plus strand). Cytogenetic location: 4p16.3.
Variant type: single nucleotide variant.
Coding change: c.1030A>G on transcript NM_173660.5 (MANE Select); coding-DNA position 1030, A replaced by G.
Protein change: p.Ser344Gly; replaces serine 344 with glycine.
Molecular consequence: missense variant. On other transcripts: 3 prime UTR variant (1).
Genome position (GRCh38, 1-based): chr4:3,493,016, A>G. VCF-style: chr4-3493016-A-G. GRCh37 (hg19) VCF-style: chr4-3494743-A-G.
Other names: c.*251A>G (NM_001164673.2); c.100A>G, p.Ser34Gly (NM_001256896.2); c.1030A>G, p.Ser344Gly (NM_001301071.2); c.598A>G, p.Ser200Gly (NM_001363811.2); short protein forms S344G, S200G, S34G.
Identifiers: ClinVar variation 1404040 (VCV001404040.9), dbSNP rs2109418322, ClinGen allele CA356117220.